The following is an entry in ClinVar:

NM_004714.3(DYRK1B):c.1640G>A (p.Arg547Gln)

Gene: DYRK1B (dual specificity tyrosine phosphorylation regulated kinase 1B; minus strand). Cytogenetic location: 19q13.2.
Variant type: single nucleotide variant.
Coding change: c.1640G>A on transcript NM_004714.3 (MANE Select); coding-DNA position 1640, G replaced by A.
Protein change: p.Arg547Gln; replaces arginine 547 with glutamine.
Molecular consequence: missense variant.
Genome position (GRCh38, 1-based): chr19:39,825,965, C>T on the plus strand (G>A on the coding strand, the complement: DYRK1B is on the minus strand). VCF-style: chr19-39825965-C-T. GRCh37 (hg19) VCF-style: chr19-40316605-C-T.
Other names: c.1520G>A, p.Arg507Gln (NM_006483.3); c.1556G>A, p.Arg519Gln (NM_006484.3); c.1640G>A (NM_004714.2, NM_004714.1); short protein forms R507Q, R519Q, R547Q.
Identifiers: ClinVar variation 2665009 (VCV002665009.4), dbSNP rs375200082, ClinGen allele CA9433958.

ClinVar aggregate classification (germline): Uncertain significance. Review status: criteria provided, multiple submitters, no conflicts (2 of 4 stars). 3 submissions from 3 submitters: Uncertain significance (2). 1 of the submissions does not count toward it. Last evaluated 2024-07-02.

Conditions:
Inborn genetic diseases. Identifiers: MedGen C0950123, MeSH D030342.
DYRK1B-related disorder. Also called: DYRK1B-related condition.
Abdominal obesity-metabolic syndrome 3 (AOMS3). Also called: CENTRAL OBESITY, TYPE 2 DIABETES, HYPERTENSION, AND EARLY-ONSET CORONARY ARTERY DISEASE. Identifiers: MedGen C4014361, MONDO:0014352, OMIM 615812.

Allele frequency attached by ClinVar (database versions not stated): ExAC 0.00001; gnomAD 0.00003; ESP Exome Variant Server 0.00008.
gnomAD v4.1: 19 of 1,486,072 alleles (0.0013%); highest among the groups gnomAD compares: Admixed American, 0.0092%; no homozygotes.

Submissions (3):

Ambry Genetics
Classification: Uncertain significance for Inborn genetic diseases. Last evaluated: 2024-07-02. Review status: criteria provided, single submitter. Criteria: Ambry Variant Classification Scheme 2023. Collection method: clinical testing. Allele origin: germline.

New York Genome Center
Classification: Uncertain significance for Abdominal obesity-metabolic syndrome 3. Last evaluated: 2023-03-28. Review status: criteria provided, single submitter. Criteria: NYGC Assertion Criteria 2020. Collection method: clinical testing. Allele origin: germline. Observed: 1 heterozygote.
Comment: The c.1640G>A variant in DYRK1B has not previously been reported in the literature or public variant repositories (ClinVar and LOVD). The c.1640G>A variant is observed in 29 alleles (0.0058% minor allele frequency with 0 homozygotes) in population databases (gnomAD v2.1.1 and v3.1.2, TOPMed Freeze 8). The c.1640G>A variant is located in exon 11 of this 11-exon gene and is predicted to replace a moderately conserved arginine amino acid with glutamine at position 547 in the encoded protein. In silico predictions for p.(Arg547Gln) are inconclusive of the variant's effect [(CADD v1.6 = 22.1, REVEL = 0.082)]; however, there are no functional studies to supportor refute these predictions. Based on available evidence this c.1640G>A p.(Arg547Gln) variant identified in DYRK1B is classified as a Variant ofUncertain Significance.

PreventionGenetics, part of Exact Sciences
Classification: Uncertain significance for DYRK1B-related condition. Last evaluated: 2024-01-23. Review status: no assertion criteria provided. Collection method: clinical testing. Allele origin: germline. Not counted in ClinVar's aggregate classification.
Comment: The DYRK1B c.1640G>A variant is predicted to result in the amino acid substitution p.Arg547Gln. To our knowledge, this variant has not been reported in the literature. This variant is reported in 0.0094% of alleles in individuals of Latino descent in gnomAD. At this time, the clinical significance of this variant is uncertain due to the absence of conclusive functional and genetic evidence.